The following is an entry in ClinVar:

ClinVar aggregate classification (germline): Benign/Likely benign. Review status: criteria provided, multiple submitters, no conflicts (2 of 4 stars). 2 submissions from 2 submitters: Benign (1); Likely benign (1). Last evaluated 2026-06-01.

Allele frequency attached by ClinVar (database versions not stated): gnomAD exomes 0.00008 and 0.00049; gnomAD 0.00011 and 0.00012; TOPMed 0.00033; 1000 Genomes Project 0.00040; 1000 Genomes Project 30x 0.00062; ExAC 0.00072.

Submissions (2):

CeGaT Center for Human Genetics Tuebingen
Classification: Likely benign. Last evaluated: 2026-06-01. Review status: criteria provided, single submitter. Criteria: CeGaT Center For Human Genetics Tuebingen Variant Classification Criteria Version 2. Collection method: clinical testing. Allele origin: germline. Affected: yes. Observed: 2 variant alleles.
Comment: PIP5K1C: BP4, BP7

Labcorp Genetics (formerly Invitae), Labcorp
Classification: Benign. Last evaluated: 2018-08-08. Review status: criteria provided, single submitter. Criteria: Invitae Variant Classification Sherloc (09022015). Collection method: clinical testing. Allele origin: germline.

NM_012398.3(PIP5K1C):c.1995G>A (p.Glu665=)

Gene: PIP5K1C (phosphatidylinositol-4-phosphate 5-kinase type 1 gamma; minus strand). Cytogenetic location: 19p13.3.
Variant type: single nucleotide variant.
Coding change: c.1995G>A on transcript NM_012398.3 (MANE Select); coding-DNA position 1995, G replaced by A.
Protein change: p.Glu665=; no amino-acid change (glutamic acid 665 retained).
Molecular consequence: synonymous variant. On other transcripts: intron variant (1).
Genome position (GRCh38, 1-based): chr19:3,633,446, C>T on the plus strand (G>A on the coding strand, the complement: PIP5K1C is on the minus strand). VCF-style: chr19-3633446-C-T. GRCh37 (hg19) VCF-style: chr19-3633444-C-T.
Other names: c.1921-277G>A (NM_001195733.2).
Identifiers: ClinVar variation 735191 (VCV000735191.7), dbSNP rs544035165, ClinGen allele CA9081894.